The following is an entry in ClinVar:

NM_006208.3(ENPP1):c.2414G>T (p.Gly805Val)

Gene: ENPP1 (ectonucleotide pyrophosphatase/phosphodiesterase 1; plus strand). Cytogenetic location: 6q23.2.
Variant type: single nucleotide variant.
Coding change: c.2414G>T on transcript NM_006208.3 (MANE Select); coding-DNA position 2414, G replaced by T.
Protein change: p.Gly805Val; replaces glycine 805 with valine.
Molecular consequence: missense variant.
Genome position (GRCh38, 1-based): chr6:131,885,033, G>T. VCF-style: chr6-131885033-G-T. GRCh37 (hg19) VCF-style: chr6-132206173-G-T.
Other names: short protein forms G805V.
Identifiers: ClinVar variation 2152022 (VCV002152022.5), dbSNP rs755557694, ClinGen allele CA147902878.

ClinVar aggregate classification (germline): Uncertain significance. Review status: criteria provided, multiple submitters, no conflicts (2 of 4 stars). 2 submissions from 2 submitters: Uncertain significance (2). Last evaluated 2026-07-01.

Allele frequency attached by ClinVar (database versions not stated): TOPMed below 0.00001; gnomAD 0.00001; gnomAD exomes 0.00001.
gnomAD v4.1: 15 of 1,613,872 alleles (0.00093%); highest among the groups gnomAD compares: Non-Finnish European, 0.0012%; no homozygotes.

Submissions (2):

CeGaT Center for Human Genetics Tuebingen
Classification: Uncertain significance. Last evaluated: 2026-07-01. Review status: criteria provided, single submitter. Criteria: CeGaT Center For Human Genetics Tuebingen Variant Classification Criteria Version 2. Collection method: clinical testing. Allele origin: germline. Affected: yes. Observed: 1 variant allele.
Comment: ENPP1: PM2, PM3:Supporting, PP3, PP4

Labcorp Genetics (formerly Invitae), Labcorp
Classification: Uncertain significance. Last evaluated: 2024-06-03. Review status: criteria provided, single submitter. Criteria: Invitae Variant Classification Sherloc (09022015). Collection method: clinical testing. Allele origin: germline.
Comment: This sequence change replaces glycine, which is neutral and non-polar, with valine, which is neutral and non-polar, at codon 805 of the ENPP1 protein (p.Gly805Val). This variant is not present in population databases (gnomAD no frequency). This missense change has been observed in individual(s) with autosomal recessive generalized arterial calcification of infancy (PMID: 29244957). It has also been observed to segregate with disease in related individuals. ClinVar contains an entry for this variant (Variation ID: 2152022). Advanced modeling of protein sequence and biophysical properties (such as structural, functional, and spatial information, amino acid conservation, physicochemical variation, residue mobility, and thermodynamic stability) performed at Invitae indicates that this missense variant is expected to disrupt ENPP1 protein function with a positive predictive value of 80%. Algorithms developed to predict the effect of sequence changes on RNA splicing suggest that this variant may disrupt the consensus splice site. In summary, the available evidence is currently insufficient to determine the role of this variant in disease. Therefore, it has been classified as a Variant of Uncertain Significance.

Literature cited by the submitters: PubMed 29244957 (cited by Labcorp Genetics (formerly Invitae), Labcorp).